The following is an entry in ClinVar:

ClinVar aggregate classification (germline): Likely benign (1 of 4 stars; one submission).

Conditions:
Progressive sclerosing poliodystrophy (MTDPS4A). Also called: Alpers-Huttenlocher Syndrome (AHS); Alpers Syndrome; ALPERS PROGRESSIVE INFANTILE POLIODYSTROPHY; Mitochondrial DNA depletion syndrome 4A (Alpers type); ALPERS DIFFUSE DEGENERATION OF CEREBRAL GRAY MATTER WITH HEPATIC CIRRHOSIS; Alpers-Huttenlocher Syndrome. Identifiers: Orphanet 726, MedGen C0205710, MONDO:0008758, OMIM 203700.

Allele frequency attached by ClinVar (database versions not stated): gnomAD exomes below 0.00001.
gnomAD v4.1: 1 of 1,614,120 alleles (0.000062%); highest among the groups gnomAD compares: Middle Eastern, 0.016%; no homozygotes.

Submission:

Wong Mito Lab, Molecular and Human Genetics, Baylor College of Medicine
Classification: Likely benign for Progressive sclerosing poliodystrophy. Last evaluated: 2018-10-01. Review status: criteria provided, single submitter. Criteria: ACMG Guidelines, 2015. Collection method: clinical testing. Allele origin: germline.
Comment: The NM_002693.2:c.1056T>C (NP_002684.1:p.Ser352=) [GRCH38: NC_000015.10:g.89328799A>G] variant in POLG gene is interpretated to be a Likely Benign based on ACMG guidelines (PMID: 25741868). This variant meets the following evidence codes reported in the ACMG-guideline. BP4:Computational evidence/predictors indicate no impact on the POLG structure, function, or protein-protein interaction. BP7:The variant is silent with non predicted splice impact. Based on the evidence criteria codes applied, the variant is suggested to be Likely Benign.

NM_002693.3(POLG):c.1056T>C (p.Ser352=)

Gene: POLG (DNA polymerase gamma, catalytic subunit; minus strand). Cytogenetic location: 15q26.1.
Variant type: single nucleotide variant.
Coding change: c.1056T>C on transcript NM_002693.3 (MANE Select); coding-DNA position 1056, T replaced by C.
Protein change: p.Ser352=; no amino-acid change (serine 352 retained).
Molecular consequence: synonymous variant.
Genome position (GRCh38, 1-based): chr15:89,328,799, A>G on the plus strand (T>C on the coding strand, the complement: POLG is on the minus strand). VCF-style: chr15-89328799-A-G. GRCh37 (hg19) VCF-style: chr15-89872030-A-G.
Other names: c.1056T>C, p.Ser352= (NM_001126131.2).
Identifiers: ClinVar variation 619347 (VCV000619347.1), dbSNP rs1567192184, ClinGen allele CA10602178.